The following is an entry in ClinVar:

ClinVar aggregate classification (germline): Likely benign (0 of 4 stars; one submission).

Conditions:
PRKCI-related disorder. Also called: PRKCI-related condition.

Allele frequency attached by ClinVar (database versions not stated): ESP Exome Variant Server 0.00015; gnomAD 0.00032; gnomAD exomes 0.00032; ExAC 0.00036; TOPMed 0.00042.
gnomAD v4.1: 520 of 1,600,698 alleles (0.032%); highest among the groups gnomAD compares: Admixed American, 0.082%; 1 homozygote.

Submissions (4):

PreventionGenetics, part of Exact Sciences
Classification: Likely benign for PRKCI-related condition. Last evaluated: 2023-01-05. Review status: no assertion criteria provided. Collection method: clinical testing. Allele origin: germline.
Comment: This variant is classified as likely benign based on ACMG/AMP sequence variant interpretation guidelines (Richards et al. 2015 PMID: 25741868, with internal and published modifications).

Dr. Peter K. Rogan Lab, Western University
No classification provided (evidence only). Condition: Clear cell carcinoma of kidney. Review status: no classification provided. Collection method: in vitro. Allele origin: not applicable. Functional consequence: retained intron. Not counted in ClinVar's aggregate classification.

Dr. Peter K. Rogan Lab, Western University
No classification provided (evidence only). Condition: Lung cancer. Review status: no classification provided. Collection method: in vitro. Allele origin: not applicable. Functional consequence: retained intron. Not counted in ClinVar's aggregate classification.

Dr. Peter K. Rogan Lab, Western University
No classification provided (evidence only). Condition: Ovarian serous cystadenocarcinoma. Review status: no classification provided. Collection method: in vitro. Allele origin: not applicable. Functional consequence: retained intron. Not counted in ClinVar's aggregate classification.

NM_002740.6(PRKCI):c.1292-5T>G

Gene: PRKCI (protein kinase C iota; plus strand). Cytogenetic location: 3q26.2.
Variant type: single nucleotide variant.
Coding change: c.1292-5T>G on transcript NM_002740.6 (MANE Select); 5 bases into the intron before coding-DNA position 1292, T replaced by G.
Molecular consequence: intron variant.
Genome position (GRCh38, 1-based): chr3:170,293,378, T>G. VCF-style: chr3-170293378-T-G. GRCh37 (hg19) VCF-style: chr3-170011166-T-G.
Other names: NC_000003.11:g.170011166T>G.
Identifiers: ClinVar variation 3049278 (VCV003049278.3), dbSNP rs200153796, ClinGen allele CA2700744.